The following is an entry in ClinVar:

ClinVar aggregate classification (germline): not provided (0 of 4 stars; one submission).

Allele frequency attached by ClinVar (database versions not stated): gnomAD exomes below 0.00001; gnomAD 0.00001.
gnomAD v4.1: 2 of 1,613,876 alleles (0.00012%); highest among the groups gnomAD compares: Non-Finnish European, 0.00017%; no homozygotes.

Submission:

Human Evolutionary Genetics, Institut Pasteur
No classification provided. Review status: no classification provided. Collection method: not provided. Allele origin: germline.
ClinVar note: Converted during submission from untested to not provided.

NM_144687.4(NLRP12):c.968T>C (p.Leu323Pro)

Gene: NLRP12 (NLR family pyrin domain containing 12; minus strand). Cytogenetic location: 19q13.42.
Variant type: single nucleotide variant.
Coding change: c.968T>C on transcript NM_144687.4 (MANE Select); coding-DNA position 968, T replaced by C.
Protein change: p.Leu323Pro; replaces leucine 323 with proline.
Molecular consequence: missense variant.
Genome position (GRCh38, 1-based): chr19:53,810,691, A>G on the plus strand (T>C on the coding strand, the complement: NLRP12 is on the minus strand). VCF-style: chr19-53810691-A-G. GRCh37 (hg19) VCF-style: chr19-54313945-A-G.
Other names: c.968T>C, p.Leu323Pro (NM_001277126.2, NM_001277129.1); short protein forms L323P.
Identifiers: ClinVar variation 103263 (VCV000103263.2), dbSNP rs199475864, ClinGen allele CA230336.